The following is an entry in ClinVar:

NM_024503.5(HIVEP3):c.126A>T (p.Thr42=)

Gene: HIVEP3 (HIVEP zinc finger 3; minus strand). Cytogenetic location: 1p34.2.
Variant type: single nucleotide variant.
Coding change: c.126A>T on transcript NM_024503.5 (MANE Select); coding-DNA position 126, A replaced by T.
Protein change: p.Thr42=; no amino-acid change (threonine 42 retained).
Molecular consequence: synonymous variant.
Genome position (GRCh38, 1-based): chr1:41,584,672, T>A on the plus strand (A>T on the coding strand, the complement: HIVEP3 is on the minus strand). VCF-style: chr1-41584672-T-A. GRCh37 (hg19) VCF-style: chr1-42050343-T-A.
Other names: c.126A>T, p.Thr42= (NM_001127714.3).
Identifiers: ClinVar variation 3038875 (VCV003038875.2), dbSNP rs147545420, ClinGen allele CA798483.

ClinVar aggregate classification (germline): Likely benign (0 of 4 stars; one submission).

Conditions:
HIVEP3-related disorder. Also called: HIVEP3-related condition.

Allele frequency attached by ClinVar (database versions not stated): 1000 Genomes Project 0.00100; ESP Exome Variant Server 0.00108; 1000 Genomes Project 30x 0.00109; TOPMed 0.00162; gnomAD 0.00172; ExAC 0.00218.
gnomAD v4.1: 3,360 of 1,587,542 alleles (0.21%); highest among the groups gnomAD compares: Non-Finnish European, 0.25%; 6 homozygotes.

Submission:

PreventionGenetics, part of Exact Sciences
Classification: Likely benign for HIVEP3-related condition. Last evaluated: 2019-03-04. Review status: no assertion criteria provided. Collection method: clinical testing. Allele origin: germline.
Comment: This variant is classified as likely benign based on ACMG/AMP sequence variant interpretation guidelines (Richards et al. 2015 PMID: 25741868, with internal and published modifications).